The following is an entry in ClinVar:

ClinVar aggregate classification (germline): Pathogenic (1 of 4 stars; one submission).

Conditions:
Microcephaly, normal intelligence and immunodeficiency (NBS). Also called: BERLIN BREAKAGE SYNDROME; Immunodeficiency, microcephaly with normal intelligence; IMMUNODEFICIENCY, MICROCEPHALY, AND CHROMOSOMAL INSTABILITY; SEEMANOVA SYNDROME II; Nijmegen breakage syndrome; Microcephaly with normal intelligence immunodeficiency and lymphoreticular malignancies. Identifiers: Orphanet 647, MedGen C0398791, MONDO:0009623, OMIM 251260.

Submission:

Labcorp Genetics (formerly Invitae), Labcorp
Classification: Pathogenic for Microcephaly, normal intelligence and immunodeficiency. Last evaluated: 2023-07-30. Review status: criteria provided, single submitter. Criteria: Invitae Variant Classification Sherloc (09022015). Collection method: clinical testing. Allele origin: unknown.
Comment: For these reasons, this variant has been classified as Pathogenic. This variant has not been reported in the literature in individuals affected with NBN-related conditions. This variant is a gross deletion of the genomic region encompassing exon(s) 9 of the NBN gene. This deletion is out-of-frame, and is expected to create a premature termination codon and result in an absent or disrupted protein product. Loss-of-function variants in NBN are known to be pathogenic (PMID: 9590180, 16415040).

Literature cited by the submitters: PubMed 9590180; PubMed 16415040.

NC_000008.10:g.(?_90970943)_(90971092_?)del

Gene: NBN (nibrin; minus strand). Cytogenetic location: 8q21.3.
Variant type: Deletion.
Identifiers: ClinVar variation 3245492 (VCV003245492.1).